The following is an entry in ClinVar:

NM_000061.3(BTK):c.586C>A (p.Gln196Lys)

Gene: BTK (Bruton tyrosine kinase; minus strand). Cytogenetic location: Xq22.1.
Variant type: single nucleotide variant.
Coding change: c.586C>A on transcript NM_000061.3 (MANE Select); coding-DNA position 586, C replaced by A.
Protein change: p.Gln196Lys; replaces glutamine 196 with lysine.
Molecular consequence: missense variant.
Genome position (GRCh38, 1-based): chrX:101,362,175, G>T on the plus strand (C>A on the coding strand, the complement: BTK is on the minus strand). VCF-style: chrX-101362175-G-T. GRCh37 (hg19) VCF-style: chrX-100617163-G-T.
Other names: c.688C>A, p.Gln230Lys (NM_001287344.2); c.586C>A, p.Gln196Lys (NM_001287345.2); short protein forms Q230K, Q196K.
Identifiers: ClinVar variation 2822483 (VCV002822483.3), dbSNP rs2147434894, ClinGen allele CA413933940.

ClinVar aggregate classification (germline): Uncertain significance (1 of 4 stars; one submission).

Conditions:
X-linked agammaglobulinemia with growth hormone deficiency (IGHD3). Also called: FLEISHER SYNDROME; Isolated growth hormone deficiency type 3; Growth hormone deficiency with hypogammaglobulinemia; AGAMMAGLOBULINEMIA AND ISOLATED GROWTH HORMONE DEFICIENCY, X-LINKED; HYPOGAMMAGLOBULINEMIA AND ISOLATED GROWTH HORMONE DEFICIENCY, X-LINKED; IGHD III. Identifiers: Orphanet 231692, Orphanet 631, MedGen C0472813, MONDO:0010615, OMIM 307200.

Submission:

Labcorp Genetics (formerly Invitae), Labcorp
Classification: Uncertain significance for X-linked agammaglobulinemia with growth hormone deficiency. Last evaluated: 2023-07-10. Review status: criteria provided, single submitter. Criteria: Invitae Variant Classification Sherloc (09022015). Collection method: clinical testing. Allele origin: germline.
Comment: This variant has not been reported in the literature in individuals affected with BTK-related conditions. This variant is not present in population databases (gnomAD no frequency). This sequence change replaces glutamine, which is neutral and polar, with lysine, which is basic and polar, at codon 196 of the BTK protein (p.Gln196Lys). An algorithm developed to predict the effect of missense changes on protein structure and function (PolyPhen-2) suggests that this variant is likely to be tolerated. In summary, the available evidence is currently insufficient to determine the role of this variant in disease. Therefore, it has been classified as a Variant of Uncertain Significance.